The following is an entry in ClinVar:

ClinVar aggregate classification (germline): Uncertain significance (1 of 4 stars; one submission).

Conditions:
Hereditary hyperekplexia. Identifiers: Orphanet 3197, MedGen C4084968, MONDO:0021022.

Submission:

Labcorp Genetics (formerly Invitae), Labcorp
Classification: Uncertain significance for Hereditary hyperekplexia. Last evaluated: 2024-07-20. Review status: criteria provided, single submitter. Criteria: Invitae Variant Classification Sherloc (09022015). Collection method: clinical testing. Allele origin: germline.
Comment: This sequence change replaces leucine, which is neutral and non-polar, with proline, which is neutral and non-polar, at codon 342 of the GLRA1 protein (p.Leu342Pro). This variant is not present in population databases (gnomAD no frequency). This variant has not been reported in the literature in individuals affected with GLRA1-related conditions. Advanced modeling of protein sequence and biophysical properties (such as structural, functional, and spatial information, amino acid conservation, physicochemical variation, residue mobility, and thermodynamic stability) has been performed at Invitae for this missense variant, however the output from this modeling did not meet the statistical confidence thresholds required to predict the impact of this variant on GLRA1 protein function. In summary, the available evidence is currently insufficient to determine the role of this variant in disease. Therefore, it has been classified as a Variant of Uncertain Significance.

NM_000171.4(GLRA1):c.1025T>C (p.Leu342Pro)

Gene: GLRA1 (glycine receptor alpha 1; minus strand). Cytogenetic location: 5q33.1.
Variant type: single nucleotide variant.
Coding change: c.1025T>C on transcript NM_000171.4 (MANE Select); coding-DNA position 1025, T replaced by C.
Protein change: p.Leu342Pro; replaces leucine 342 with proline.
Molecular consequence: missense variant.
Genome position (GRCh38, 1-based): chr5:151,828,955, A>G on the plus strand (T>C on the coding strand, the complement: GLRA1 is on the minus strand). VCF-style: chr5-151828955-A-G. GRCh37 (hg19) VCF-style: chr5-151208516-A-G.
Other names: c.1025T>C, p.Leu342Pro (NM_001146040.2); c.776T>C, p.Leu259Pro (NM_001292000.2); short protein forms L259P, L342P.
Identifiers: ClinVar variation 3659995 (VCV003659995.2).